The following is an entry in ClinVar:

NM_007078.3(LDB3):c.23C>A (p.Thr8Asn)

Gene: LDB3 (LIM domain binding 3; plus strand). Cytogenetic location: 10q23.2.
Variant type: single nucleotide variant.
Coding change: c.23C>A on transcript NM_007078.3 (MANE Select); coding-DNA position 23, C replaced by A.
Protein change: p.Thr8Asn; replaces threonine 8 with asparagine.
Molecular consequence: missense variant.
Genome position (GRCh38, 1-based): chr10:86,668,714, C>A. VCF-style: chr10-86668714-C-A. GRCh37 (hg19) VCF-style: chr10-88428471-C-A.
Other names: c.23C>A, p.Thr8Asn (NM_001080114.2, NM_001080115.2, NM_001171610.2 and 8 more transcripts); short protein forms T8N.
Identifiers: ClinVar variation 406807 (VCV000406807.11), dbSNP rs1060501317, ClinGen allele CA16613180.

ClinVar aggregate classification (germline): Uncertain significance. Review status: criteria provided, multiple submitters, no conflicts (2 of 4 stars). 2 submissions from 2 submitters: Uncertain significance (2). Last evaluated 2025-06-05.

Conditions:
Myofibrillar myopathy 4. Also called: Zaspopathy (type). Identifiers: Orphanet 98912, MedGen C4721886, MONDO:0012277, OMIM 609452.

Allele frequency attached by ClinVar (database versions not stated): gnomAD exomes below 0.00001.
gnomAD v4.1: 1 of 1,613,434 alleles (0.000062%); highest among the groups gnomAD compares: Admixed American, 0.0017%; no homozygotes.

Submissions (2):

Labcorp Genetics (formerly Invitae), Labcorp
Classification: Uncertain significance for Myofibrillar myopathy 4. Last evaluated: 2025-06-05. Review status: criteria provided, single submitter. Criteria: Invitae Variant Classification Sherloc (09022015). Collection method: clinical testing. Allele origin: germline.
Comment: This sequence change replaces threonine, which is neutral and polar, with asparagine, which is neutral and polar, at codon 8 of the LDB3 protein (p.Thr8Asn). This variant is not present in population databases (gnomAD no frequency). This variant has not been reported in the literature in individuals affected with LDB3-related conditions. ClinVar contains an entry for this variant (Variation ID: 406807). An algorithm developed to predict the effect of missense changes on protein structure and function (PolyPhen-2) suggests that this variant is likely to be tolerated. In summary, the available evidence is currently insufficient to determine the role of this variant in disease. Therefore, it has been classified as a Variant of Uncertain Significance.

Stanford Center for Inherited Cardiovascular Disease, Stanford University
Classification: Uncertain significance. Last evaluated: 2016-12-27. Review status: criteria provided, single submitter. Criteria: ACMG Guidelines, 2015. Collection method: provider interpretation. Allele origin: germline.